The following is an entry in ClinVar:

NM_002458.3(MUC5B):c.16014C>T (p.Cys5338=)

Gene: MUC5B (mucin 5B, oligomeric mucus/gel-forming; plus strand). Cytogenetic location: 11p15.5.
Variant type: single nucleotide variant.
Coding change: c.16014C>T on transcript NM_002458.3 (MANE Select); coding-DNA position 16014, C replaced by T.
Protein change: p.Cys5338=; no amino-acid change (cysteine 5338 retained).
Molecular consequence: synonymous variant.
Genome position (GRCh38, 1-based): chr11:1,255,506, C>T. VCF-style: chr11-1255506-C-T. GRCh37 (hg19) VCF-style: chr11-1276736-C-T.
Identifiers: ClinVar variation 178796 (VCV000178796.11), dbSNP rs137980255, ClinGen allele CA183053.

ClinVar aggregate classification (germline): Benign. Review status: criteria provided, multiple submitters, no conflicts (2 of 4 stars). 3 submissions from 3 submitters: Benign (3). Last evaluated 2026-03-01.

Allele frequency attached by ClinVar (database versions not stated): 1000 Genomes Project 30x 0.00297; 1000 Genomes Project 0.00359; gnomAD exomes 0.00713 and 0.01068; TOPMed 0.00758; gnomAD 0.00792 and 0.00822; ESP Exome Variant Server 0.00964; ExAC 0.01128.
gnomAD v4.1: 16,173 of 1,555,078 alleles (1%); highest among the groups gnomAD compares: Non-Finnish European, 1.3%; 116 homozygotes.

Submissions (3):

CeGaT Center for Human Genetics Tuebingen
Classification: Benign. Last evaluated: 2026-03-01. Review status: criteria provided, single submitter. Criteria: CeGaT Center For Human Genetics Tuebingen Variant Classification Criteria Version 2. Collection method: clinical testing. Allele origin: germline. Affected: yes. Observed: 3 variant alleles.
Comment: MUC5B: BP4, BP7, BS1, BS2

Laboratory for Molecular Medicine, Mass General Brigham Personalized Medicine
Classification: Benign. Last evaluated: 2013-02-21. Review status: criteria provided, single submitter. Criteria: LMM Criteria. Collection method: clinical testing. Allele origin: germline. Observed: 3 variant alleles.
Comment: Cys5338Cys in exon 37 of MUC5B: This variant is not expected to have clinical si gnificance because it does not alter an amino acid residue and is not located wi thin the splice consensus sequence. It has been identified in 1.3% (106/8240) of European American chromosomes from a broad population by the NHLBI Exome Sequen cing Project (dbSNP rs137980255).

Breakthrough Genomics
Classification: Benign. Review status: criteria provided, single submitter. Criteria: ACMG Guidelines, 2015. Collection method: not provided. Allele origin: germline. Inheritance: Autosomal dominant inheritance. Affected: yes.